The following is an entry in ClinVar:

ClinVar aggregate classification (germline): Pathogenic (1 of 4 stars; one submission).

Conditions:
Juvenile polyposis/hereditary hemorrhagic telangiectasia syndrome (JPHT). Also called: Juvenile Polyposis Syndrome / Hereditary Hemorrhagic Telangiectasia (JPS/HHT); JP/HHT SYNDROME; JUVENILE POLYPOSIS WITH HEREDITARY HEMORRHAGIC TELANGIECTASIA; POLYPOSIS, GENERALIZED JUVENILE, WITH PULMONARY ARTERIOVENOUS MALFORMATION; TELANGIECTASIA, HEREDITARY HEMORRHAGIC, WITH JUVENILE POLYPOSIS COLI. Identifiers: Orphanet 2929, MedGen C1832942, MONDO:0008278, OMIM 175050.

Submission:

Myriad Genetics, Inc.
Classification: Pathogenic for Juvenile polyposis/hereditary hemorrhagic telangiectasia syndrome. Last evaluated: 2024-02-09. Review status: criteria provided, single submitter. Criteria: Myriad Autosomal Dominant, Autosomal Recessive and X-Linked Classification Criteria (2023). Collection method: clinical testing. Allele origin: unknown.
Comment: This variant is considered pathogenic. This variant creates a frameshift predicted to result in premature protein truncation.

NM_005359.6(SMAD4):c.1563_1567del (p.Pro522fs)

Gene: SMAD4 (SMAD family member 4; plus strand). Cytogenetic location: 18q21.2.
Variant type: Deletion.
Coding change: c.1563_1567del on transcript NM_005359.6 (MANE Select); coding-DNA positions 1563 to 1567, 5 bases deleted (ACCTT; older notation c.1563_1567delACCTT).
Protein change: p.Pro522fs; shifts the reading frame from proline 522.
Molecular consequence: frameshift variant. On other transcripts: non-coding transcript variant (1).
Genome position (GRCh38, 1-based): chr18:51,078,371-51,078,375, ACCTT deleted. VCF-style (leftmost placement, unchanged base first): chr18-51078370-CACCTT-C. GRCh37 (hg19) VCF-style: chr18-48604740-CACCTT-C.
Other names: c.1563_1567del, p.Pro522fs (NM_001407041.1, NM_001407042.1); short protein forms P522fs.
Identifiers: ClinVar variation 3148573 (VCV003148573.1), dbSNP rs2511391321, ClinGen allele CA2825002716.
Genomic context (GRCh38, chr18:51,078,370, plus strand): 5'-TCAGGATGAGTTTTGTGAAAGGCTGGGGACCGGATTACCCAAGACAGAGCATCAAAGAAA[CACCTT>C]GCTGGATTGAAATTCACTTACACCGGGCCCTCCAGCTCCTAGACGAAGTACTTCATACCA-3'